The following is an entry in ClinVar:

NM_002439.5(MSH3):c.916G>A (p.Val306Ile)

Genes: MSH3 (mutS homolog 3; plus strand), LOC126807437 (MED14-independent group 3 enhancer GRCh37_chr5:79968379-79969578; plus strand). Cytogenetic location: 5q14.1.
Variant type: single nucleotide variant.
Coding change: c.916G>A on transcript NM_002439.5 (MANE Select); coding-DNA position 916, G replaced by A.
Protein change: p.Val306Ile; replaces valine 306 with isoleucine.
Molecular consequence: missense variant.
Genome position (GRCh38, 1-based): chr5:80,672,747, G>A. VCF-style: chr5-80672747-G-A. GRCh37 (hg19) VCF-style: chr5-79968566-G-A.
Other names: short protein forms V306I.
Identifiers: ClinVar variation 653675 (VCV000653675.14), dbSNP rs1580552222, ClinGen allele CA360267325.

ClinVar aggregate classification (germline): Uncertain significance. Review status: criteria provided, multiple submitters, no conflicts (2 of 4 stars). 2 submissions from 2 submitters: Uncertain significance (2). Last evaluated 2024-11-19.

Conditions:
Hereditary cancer-predisposing syndrome. Also called: Neoplastic Syndromes, Hereditary; Tumor predisposition; Hereditary Cancer Syndrome; Hereditary neoplastic syndrome. Identifiers: Orphanet 140162, MedGen C0027672, MeSH D009386, MONDO:0015356.

Allele frequency attached by ClinVar (database versions not stated): gnomAD exomes below 0.00001; TOPMed 0.00001.
gnomAD v4.1: 2 of 1,613,138 alleles (0.00012%); highest among the groups gnomAD compares: Non-Finnish European, 0.00017%; no homozygotes.

Submissions (2):

Ambry Genetics
Classification: Uncertain significance for Hereditary cancer-predisposing syndrome. Last evaluated: 2024-11-19. Review status: criteria provided, single submitter. Criteria: Ambry Variant Classification Scheme 2023. Collection method: clinical testing. Allele origin: germline.

Labcorp Genetics (formerly Invitae), Labcorp
Classification: Uncertain significance. Last evaluated: 2019-10-28. Review status: criteria provided, single submitter. Criteria: Invitae Variant Classification Sherloc (09022015). Collection method: clinical testing. Allele origin: germline.
Comment: In summary, the available evidence is currently insufficient to determine the role of this variant in disease. Therefore, it has been classified as a Variant of Uncertain Significance. This sequence change replaces valine with isoleucine at codon 306 of the MSH3 protein (p.Val306Ile). The valine residue is highly conserved and there is a small physicochemical difference between valine and isoleucine. This variant is not present in population databases (ExAC no frequency). This variant has not been reported in the literature in individuals with MSH3-related disease. Algorithms developed to predict the effect of missense changes on protein structure and function (SIFT, PolyPhen-2, Align-GVGD) all suggest that this variant is likely to be disruptive, but these predictions have not been confirmed by published functional studies and their clinical significance is uncertain.